The following is an entry in ClinVar:

NM_002185.5(IL7R):c.1241C>T (p.Thr414Met)

Gene: IL7R (interleukin 7 receptor; plus strand). Cytogenetic location: 5p13.2.
Variant type: single nucleotide variant.
Coding change: c.1241C>T on transcript NM_002185.5 (MANE Select); coding-DNA position 1241, C replaced by T.
Protein change: p.Thr414Met; replaces threonine 414 with methionine.
Molecular consequence: missense variant. On other transcripts: non-coding transcript variant (1).
Genome position (GRCh38, 1-based): chr5:35,876,347, C>T. VCF-style: chr5-35876347-C-T. GRCh37 (hg19) VCF-style: chr5-35876449-C-T.
Other names: NM_002185.5(IL7R):c.1241C>T; p.Thr414Met; short protein forms T414M.
Identifiers: ClinVar variation 134536 (VCV000134536.17), dbSNP rs2229232, ClinGen allele CA160123.

ClinVar aggregate classification (germline): Benign. Review status: reviewed by expert panel (3 of 4 stars). 8 submissions from 8 submitters: Benign (1). 7 of the submissions do not count toward it. Last evaluated 2023-10-10.

Conditions:
Immunodeficiency 104. Also called: SCID, AUTOSOMAL RECESSIVE, T CELL-NEGATIVE, B CELL-POSITIVE, NK CELL-POSITIVE; IMMUNODEFICIENCY 104, SEVERE COMBINED; Severe combined immunodeficiency, autosomal recessive, T cell-negative, B cell-positive, NK cell-positive; Severe Combined Immune Deficiency, Autosomal Recessive, TCell -Negative, B Cell-Positive, NK Cell-Positive, IL7R-Related. Identifiers: MedGen C5676890, MONDO:0012163, OMIM 608971.

Allele frequency attached by ClinVar (database versions not stated): ESP Exome Variant Server 0.00392; gnomAD 0.00456 and 0.00584; TOPMed 0.00516; gnomAD exomes 0.00704 and 0.01026; ExAC 0.01074; 1000 Genomes Project 30x 0.01202; 1000 Genomes Project 0.01378.
gnomAD v4.1: 11,280 of 1,613,172 alleles (0.7%); highest among the groups gnomAD compares: South Asian, 3.7%; 153 homozygotes.

Submissions (8):

ClinGen Severe Combined Immunodeficiency Variant Curation Expert Panel, ClinGen
Classification: Benign for Immunodeficiency 104. Last evaluated: 2023-10-10. Review status: reviewed by expert panel. Criteria: ClinGen SCID ACMG Specifications IL7R V1.0.0. Collection method: curation. Allele origin: germline. Inheritance: Autosomal recessive inheritance.
Comment: The NM_002185.5(IL7R):c.1241C>T (p.Thr414Met) missense variant occurs at a frequency too high for the disease. The filtering allele frequency based on the South Asian population (upper bound of 95% CI of 1076/30502 observed alleles) is 0.03353 in gnomAD v2.1.1, which is above the SCID-VCEP BA1 threshold (>0.00566). Also, 46 adult homozygous individuals with this variant are present in gnomAD v2.1.1 (BS2_Supporting). In summary, this variant meets the criteria to be classified as Benign for autosomal recessive SCID based on the ACMG/AMP criteria applied, as specified by the ClinGen SCID VCEP. Criteria applied: BA1 and BS2_Supporting (SCID VCEP specifications version 1.0).

Labcorp Genetics (formerly Invitae), Labcorp
Classification: Benign for Immunodeficiency 104. Last evaluated: 2026-02-04. Review status: criteria provided, single submitter. Criteria: Invitae Variant Classification Sherloc (09022015). Collection method: clinical testing. Allele origin: germline. Not counted in ClinVar's aggregate classification.

Blueprint Genetics
Classification: Likely benign. Last evaluated: 2024-11-26. Review status: criteria provided, single submitter. Criteria: ACMG Guidelines, 2015. Collection method: clinical testing. Allele origin: germline. Not counted in ClinVar's aggregate classification.

Mayo Clinic Laboratories, Mayo Clinic
Classification: Benign. Last evaluated: 2020-05-19. Review status: criteria provided, single submitter. Criteria: ACMG Guidelines, 2015. Collection method: clinical testing. Allele origin: germline. Observed: 4 variant alleles. Not counted in ClinVar's aggregate classification.

Illumina Laboratory Services, Illumina
Classification: Benign for Immunodeficiency 104. Last evaluated: 2018-01-12. Review status: criteria provided, single submitter. Criteria: ICSL Variant Classification Criteria 13 December 2019. Collection method: clinical testing. Allele origin: germline. Not counted in ClinVar's aggregate classification.
Comment: This variant was observed in the ICSL laboratory as part of a predisposition screen in an ostensibly healthy population. It had not been previously curated by ICSL or reported in the Human Gene Mutation Database (HGMD: prior to June 1st, 2018), and was therefore a candidate for classification through an automated scoring system. Utilizing variant allele frequency, disease prevalence and penetrance estimates, and inheritance mode, an automated score was calculated to assess if this variant is too frequent to cause the disease. Based on the score and internal cut-off values, a variant classified as benign is not then subjected to further curation. The score for this variant resulted in a classification of benign for this disease.

GeneDx
Classification: Benign. Last evaluated: 2016-03-22. Review status: criteria provided, single submitter. Criteria: GeneDx Variant Classification (06012015). Collection method: clinical testing. Allele origin: germline. Affected: yes. Not counted in ClinVar's aggregate classification.
Comment: This variant is considered likely benign or benign based on one or more of the following criteria: it is a conservative change, it occurs at a poorly conserved position in the protein, it is predicted to be benign by multiple in silico algorithms, and/or has population frequency not consistent with disease.

Breakthrough Genomics
Classification: Benign. Review status: criteria provided, single submitter. Criteria: ACMG Guidelines, 2015. Collection method: not provided. Allele origin: germline. Inheritance: Autosomal recessive inheritance. Affected: yes. Not counted in ClinVar's aggregate classification.

ITMI
No classification provided. Condition: AllHighlyPenetrant. Last evaluated: 2013-09-19. Review status: no classification provided. Collection method: reference population. Allele origin: germline. Not counted in ClinVar's aggregate classification.
Comment: Please see associated publication for description of ethnicities

Literature cited by the submitters: PubMed 24728327 (cited by ITMI).